The following is an entry in ClinVar:

ClinVar aggregate classification (germline): Uncertain significance (1 of 4 stars; one submission).

Submission:

Ambry Genetics
Classification: Uncertain significance. Last evaluated: 2021-08-23. Review status: criteria provided, single submitter. Criteria: Ambry Variant Classification Scheme 2023. Collection method: clinical testing. Allele origin: germline.
Comment: The p.I2197T variant (also known as c.6590T>C), located in coding exon 22 of the POLQ gene, results from a T to C substitution at nucleotide position 6590. The isoleucine at codon 2197 is replaced by threonine, an amino acid with similar properties. This amino acid position is conserved. In addition, this alteration is predicted to be deleterious by in silico analysis. Since supporting evidence is limited at this time, the clinical significance of this alteration remains unclear.

NM_199420.4(POLQ):c.6590T>C (p.Ile2197Thr)

Gene: POLQ (DNA polymerase theta; minus strand). Cytogenetic location: 3q13.33.
Variant type: single nucleotide variant.
Coding change: c.6590T>C on transcript NM_199420.4 (MANE Select); coding-DNA position 6590, T replaced by C.
Protein change: p.Ile2197Thr; replaces isoleucine 2197 with threonine.
Molecular consequence: missense variant.
Genome position (GRCh38, 1-based): chr3:121,472,118, A>G on the plus strand (T>C on the coding strand, the complement: POLQ is on the minus strand). VCF-style: chr3-121472118-A-G. GRCh37 (hg19) VCF-style: chr3-121190965-A-G.
Other names: short protein forms I2197T.
Identifiers: ClinVar variation 1754361 (VCV001754361.2), dbSNP rs2546773523, ClinGen allele CA354085510.